The following is an entry in ClinVar:

NM_001127222.2(CACNA1A):c.7511A>G (p.Asp2504Gly)

Gene: CACNA1A (calcium voltage-gated channel subunit alpha1 A; minus strand). Cytogenetic location: 19p13.13.
Variant type: single nucleotide variant.
Coding change: c.7511A>G on transcript NM_001127222.2 (MANE Select); coding-DNA position 7511, A replaced by G.
Protein change: p.Asp2504Gly; replaces aspartic acid 2504 with glycine.
Molecular consequence: missense variant. On other transcripts: 3 prime UTR variant (3).
Genome position (GRCh38, 1-based): chr19:13,207,323, T>C on the plus strand (A>G on the coding strand, the complement: CACNA1A is on the minus strand). VCF-style: chr19-13207323-T-C. GRCh37 (hg19) VCF-style: chr19-13318137-T-C.
Other names: c.*723A>G (NM_000068.4, NM_001127221.2, NM_001174080.2); c.7529A>G, p.Asp2510Gly (NM_023035.3); short protein forms D2504G, D2510G.
Identifiers: ClinVar variation 3629809 (VCV003629809.1).

ClinVar aggregate classification (germline): Uncertain significance (1 of 4 stars; one submission).

gnomAD v4.1: 5 of 1,559,788 alleles (0.00032%); highest among the groups gnomAD compares: Admixed American, 0.009%; no homozygotes.

Submission:

Women's Health and Genetics/Laboratory Corporation of America, LabCorp
Classification: Uncertain significance. Last evaluated: 2024-11-06. Review status: criteria provided, single submitter. Criteria: LabCorp Variant Classification Summary - May 2015. Collection method: clinical testing. Allele origin: germline.
Comment: Variant summary: CACNA1A c.*723A>G is located in the untranslated mRNA region downstream of the termination codon. The frequency data for this variant in gnomAD is considered unreliable, as metrics indicate poor data quality at this position. To our knowledge, no occurrence of c.*723A>G in individuals affected with Epileptic Encephalopathy, Early Infantile, 42 and no experimental evidence demonstrating its impact on protein function have been reported. No submitters have cited clinical-significance assessments for this variant to ClinVar. Based on the evidence outlined above, the variant was classified as uncertain significance.